The following is an entry in ClinVar:

NM_012096.3(APPL1):c.1235G>A (p.Arg412Gln)

Gene: APPL1 (adaptor protein, phosphotyrosine interacting with PH domain and leucine zipper 1; plus strand). Cytogenetic location: 3p14.3.
Variant type: single nucleotide variant.
Coding change: c.1235G>A on transcript NM_012096.3 (MANE Select); coding-DNA position 1235, G replaced by A.
Protein change: p.Arg412Gln; replaces arginine 412 with glutamine.
Molecular consequence: missense variant.
Genome position (GRCh38, 1-based): chr3:57,257,039, G>A. VCF-style: chr3-57257039-G-A. GRCh37 (hg19) VCF-style: chr3-57291067-G-A.
Other names: short protein forms R412Q.
Identifiers: ClinVar variation 2741081 (VCV002741081.3), dbSNP rs199533180, ClinGen allele CA2463757.

ClinVar aggregate classification (germline): Uncertain significance (1 of 4 stars; one submission).

Allele frequency attached by ClinVar (database versions not stated): TOPMed below 0.00001; ExAC 0.00002; gnomAD 0.00002; 1000 Genomes Project 30x 0.00016; 1000 Genomes Project 0.00020.
gnomAD v4.1: 89 of 1,614,080 alleles (0.0055%); highest among the groups gnomAD compares: East Asian, 0.17%; no homozygotes.

Submission:

Labcorp Genetics (formerly Invitae), Labcorp
Classification: Uncertain significance. Last evaluated: 2023-08-19. Review status: criteria provided, single submitter. Criteria: Invitae Variant Classification Sherloc (09022015). Collection method: clinical testing. Allele origin: germline.
Comment: In summary, the available evidence is currently insufficient to determine the role of this variant in disease. Therefore, it has been classified as a Variant of Uncertain Significance. Advanced modeling of protein sequence and biophysical properties (such as structural, functional, and spatial information, amino acid conservation, physicochemical variation, residue mobility, and thermodynamic stability) performed at Invitae indicates that this missense variant is not expected to disrupt APPL1 protein function. This variant has not been reported in the literature in individuals affected with APPL1-related conditions. This variant is present in population databases (rs199533180, gnomAD 0.01%). This sequence change replaces arginine, which is basic and polar, with glutamine, which is neutral and polar, at codon 412 of the APPL1 protein (p.Arg412Gln).